The following is an entry in ClinVar:

ClinVar aggregate classification (germline): Conflicting classifications of pathogenicity. Review status: criteria provided, conflicting classifications (1 of 4 stars). 2 submissions from 2 submitters: Likely pathogenic (1); Uncertain significance (1). Last evaluated 2019-12-13.

Conditions:
Early-infantile DEE. Also called: Ohtahara syndrome; Early infantile epileptic encephalopathy; Early infantile epileptic encephalopathy with suppression bursts. Identifiers: Orphanet 1934, MedGen C0393706, MONDO:0800491.

Submissions (2):

Labcorp Genetics (formerly Invitae), Labcorp
Classification: Uncertain significance for Early-infantile DEE. Last evaluated: 2019-12-13. Review status: criteria provided, single submitter. Criteria: Invitae Variant Classification Sherloc (09022015). Collection method: clinical testing. Allele origin: germline.
Comment: This sequence change replaces leucine with proline at codon 1730 of the SCN1A protein (p.Leu1730Pro). The leucine residue is highly conserved and there is a moderate physicochemical difference between leucine and proline. In summary, the available evidence is currently insufficient to determine the role of this variant in disease. Therefore, it has been classified as a Variant of Uncertain Significance. Algorithms developed to predict the effect of missense changes on protein structure and function (SIFT, PolyPhen-2, Align-GVGD) all suggest that this variant is likely to be disruptive, but these predictions have not been confirmed by published functional studies and their clinical significance is uncertain. This variant has not been reported in the literature in individuals with SCN1A-related conditions. ClinVar contains an entry for this variant (Variation ID: 206945). This variant is not present in population databases (ExAC no frequency).

GeneDx
Classification: Likely pathogenic. Last evaluated: 2018-08-13. Review status: criteria provided, single submitter. Criteria: GeneDx Variant Classification (06012015). Collection method: clinical testing. Allele origin: germline. Affected: yes.
Comment: p.Leu1730Pro (CTA>CCA): c.5189 T>C in exon 26 of the SCN1A gene (NM_001165963.1) The Leu1730Pro missense change has not been published as a mutation, nor has it been reported as a benign polymorphism to our knowledge. It was not observed in approximately 6,500 individuals of European and African American ancestry in the NHLBI Exome Sequencing Project, indicating it is not a common benign variant in these populations. This variant is a semi-conservative substitution of one uncharged, non-polar residue for another, and the addition of Proline, which has a unique ring structure, may alter the secondary structure of the protein. The variant alters a highly conserved position between the 5th and 6th subunits of the fourth transmembrane domain, and other missense mutations associated with epilepsy are reported in this region of the protein. In silico analysis predicts this variant is probably damaging to the protein structure/function. Therefore, based on the currently available information, Leu1730Pro is a strong candidate for a disease-causing mutation, although the possibility that it is a benign variant cannot be excluded. The variant is found in EPILEPSY panel(s).

NM_001165963.4(SCN1A):c.5189T>C (p.Leu1730Pro)

Genes: SCN1A (sodium voltage-gated channel alpha subunit 1; minus strand), LOC102724058 (uncharacterized LOC102724058; plus strand). Cytogenetic location: 2q24.3.
Variant type: single nucleotide variant.
Coding change: c.5189T>C on transcript NM_001165963.4 (MANE Select); coding-DNA position 5189, T replaced by C.
Protein change: p.Leu1730Pro; replaces leucine 1730 with proline.
Molecular consequence: missense variant. On other transcripts: non-coding transcript variant (1).
Genome position (GRCh38, 1-based): chr2:165,992,086, A>G on the plus strand (T>C on the coding strand, the complement: SCN1A is on the minus strand). VCF-style: chr2-165992086-A-G. GRCh37 (hg19) VCF-style: chr2-166848596-A-G.
Other names: c.5105T>C, p.Leu1702Pro (NM_001165964.3, NM_001353957.2, NM_001353958.2); c.5189T>C, p.Leu1730Pro (NM_001202435.3, NM_001353948.2); c.5156T>C, p.Leu1719Pro (NM_001353949.2, NM_001353950.2, NM_001353951.2 and 2 more transcripts); c.5153T>C, p.Leu1718Pro (NM_001353954.2, NM_001353955.2); c.5102T>C, p.Leu1701Pro (NM_001353960.2); c.2747T>C, p.Leu916Pro (NM_001353961.2); short protein forms L1719P, L1730P, L1718P, L1701P, L1702P, L916P.
Identifiers: ClinVar variation 206945 (VCV000206945.12), dbSNP rs796053100, ClinGen allele CA317816.